The following is an entry in ClinVar:

ClinVar aggregate classification (germline): Uncertain significance (1 of 4 stars; one submission).

Conditions:
Lipoic acid synthetase deficiency. Also called: HYPERGLYCINEMIA, LACTIC ACIDOSIS, AND SEIZURES. Identifiers: Orphanet 401859, MedGen C3280887, MONDO:0013762, OMIM 614462.

Submission:

Labcorp Genetics (formerly Invitae), Labcorp
Classification: Uncertain significance for Lipoic acid synthetase deficiency. Last evaluated: 2024-10-16. Review status: criteria provided, single submitter. Criteria: Invitae Variant Classification Sherloc (09022015). Collection method: clinical testing. Allele origin: germline.
Comment: This sequence change replaces leucine, which is neutral and non-polar, with phenylalanine, which is neutral and non-polar, at codon 372 of the LIAS protein (p.Leu372Phe). This variant is not present in population databases (gnomAD no frequency). This variant has not been reported in the literature in individuals affected with LIAS-related conditions. ClinVar contains an entry for this variant (Variation ID: 1469301). An algorithm developed to predict the effect of missense changes on protein structure and function outputs the following: PolyPhen-2: "Benign". The phenylalanine amino acid residue is found in multiple mammalian species, which suggests that this missense change does not adversely affect protein function. In summary, the available evidence is currently insufficient to determine the role of this variant in disease. Therefore, it has been classified as a Variant of Uncertain Significance.

NM_006859.4(LIAS):c.1114C>T (p.Leu372Phe)

Gene: LIAS (lipoic acid synthetase; plus strand). Cytogenetic location: 4p14.
Variant type: single nucleotide variant.
Coding change: c.1114C>T on transcript NM_006859.4 (MANE Select); coding-DNA position 1114, C replaced by T.
Protein change: p.Leu372Phe; replaces leucine 372 with phenylalanine.
Molecular consequence: missense variant. On other transcripts: 3 prime UTR variant (1).
Genome position (GRCh38, 1-based): chr4:39,477,110, C>T. VCF-style: chr4-39477110-C-T. GRCh37 (hg19) VCF-style: chr4-39478730-C-T.
Other names: c.985C>T, p.Leu329Phe (NM_001278590.2); c.805C>T, p.Leu269Phe (NM_001363700.2); c.*33C>T (NM_194451.3); short protein forms L372F, L269F, L329F.
Identifiers: ClinVar variation 1469301 (VCV001469301.8), dbSNP rs2109893939, ClinGen allele CA356666009.